The following is an entry in ClinVar:

ClinVar aggregate classification (germline): Conflicting classifications of pathogenicity. Review status: criteria provided, conflicting classifications (1 of 4 stars). 2 submissions from 2 submitters: Uncertain significance (1); Likely benign (1). Last evaluated 2026-09-04.

Conditions:
Ataxia-telangiectasia syndrome (AT). Also called: Cerebello-oculocutaneous telangiectasia; Immunodeficiency with ataxia telangiectasia; Ataxia-telangiectasia, complementation group E; LOUIS-BAR SYNDROME; Ataxia telangiectasia (A-T); Ataxia-telangiectasia, complementation group D. Identifiers: Orphanet 100, MedGen C0004135, MONDO:0008840, OMIM 208900.
Hereditary cancer-predisposing syndrome. Also called: Hereditary Cancer Syndrome; Hereditary neoplastic syndrome; Neoplastic Syndromes, Hereditary; Tumor predisposition. Identifiers: Orphanet 140162, MedGen C0027672, MeSH D009386, MONDO:0015356.

Allele frequency attached by ClinVar (database versions not stated): gnomAD 0.00001.
gnomAD v4.1: 1 of 1,613,964 alleles (0.000062%); highest among the groups gnomAD compares: South Asian, 0.0011%; no homozygotes.

Submissions (2):

Ambry Genetics
Classification: Likely benign for Hereditary cancer-predisposing syndrome. Last evaluated: 2026-09-04. Review status: criteria provided, single submitter. Criteria: Ambry Variant Classification Scheme 2023. Collection method: clinical testing. Allele origin: germline.

Labcorp Genetics (formerly Invitae), Labcorp
Classification: Uncertain significance for Ataxia-telangiectasia syndrome. Last evaluated: 2023-07-12. Review status: criteria provided, single submitter. Criteria: Invitae Variant Classification Sherloc (09022015). Collection method: clinical testing. Allele origin: germline.
Comment: In summary, the available evidence is currently insufficient to determine the role of this variant in disease. Therefore, it has been classified as a Variant of Uncertain Significance. Algorithms developed to predict the effect of missense changes on protein structure and function output the following: SIFT: "Not Available"; PolyPhen-2: "Benign"; Align-GVGD: "Not Available". The leucine amino acid residue is found in multiple mammalian species, which suggests that this missense change does not adversely affect protein function. This variant has not been reported in the literature in individuals affected with ATM-related conditions. This variant is not present in population databases (gnomAD no frequency). This sequence change replaces serine, which is neutral and polar, with leucine, which is neutral and non-polar, at codon 837 of the ATM protein (p.Ser837Leu).

NM_000051.4(ATM):c.2510C>T (p.Ser837Leu)

Gene: ATM (ATM serine/threonine kinase; plus strand). Cytogenetic location: 11q22.3.
Variant type: single nucleotide variant.
Coding change: c.2510C>T on transcript NM_000051.4 (MANE Select); coding-DNA position 2510, C replaced by T.
Protein change: p.Ser837Leu; replaces serine 837 with leucine.
Molecular consequence: missense variant.
Genome position (GRCh38, 1-based): chr11:108,267,214, C>T. VCF-style: chr11-108267214-C-T. GRCh37 (hg19) VCF-style: chr11-108137941-C-T.
Other names: c.2510C>T, p.Ser837Leu (NM_001351834.2); short protein forms S837L.
Identifiers: ClinVar variation 2742813 (VCV002742813.4), dbSNP rs2081303434, ClinGen allele CA382543393.
Genomic context (GRCh38, chr11:108,267,214, plus strand): 5'-GTTTCTCTTCCTTGAAGGCATCCTTCATCAAAAAGCCATTTGACCGTGGAGAAGTAGAAT[C>T]AATGGAAGATGATACTAATGGAAATCTAATGGAGGTGGAGGATCAGTCATCCATGAATCT-3'
Protein context (NP_000042.3, residues 827-847): KKPFDRGEVE[Ser837Leu]MEDDTNGNLM